The following is an entry in ClinVar:

NM_004082.5(DCTN1):c.2795G>T (p.Arg932Leu)

Gene: DCTN1 (dynactin subunit 1; minus strand). Cytogenetic location: 2p13.1.
Variant type: single nucleotide variant.
Coding change: c.2795G>T on transcript NM_004082.5 (MANE Select); coding-DNA position 2795, G replaced by T.
Protein change: p.Arg932Leu; replaces arginine 932 with leucine.
Molecular consequence: missense variant. On other transcripts: non-coding transcript variant (1).
Genome position (GRCh38, 1-based): chr2:74,365,984, C>A on the plus strand (G>T on the coding strand, the complement: DCTN1 is on the minus strand). VCF-style: chr2-74365984-C-A. GRCh37 (hg19) VCF-style: chr2-74593111-C-A.
Other names: c.2735G>T, p.Arg912Leu (NM_001135040.3); c.2393G>T, p.Arg798Leu (NM_001135041.3, NM_023019.4); c.2684G>T, p.Arg895Leu (NM_001190836.2); c.2774G>T, p.Arg925Leu (NM_001190837.2); c.2744G>T, p.Arg915Leu (NM_001378991.1); c.2726G>T, p.Arg909Leu (NM_001378992.1); short protein forms R895L, R909L, R925L, R932L, R798L, R915L, R912L.
Identifiers: ClinVar variation 2952353 (VCV002952353.3), dbSNP rs767725965, ClinGen allele CA347342753.

ClinVar aggregate classification (germline): Uncertain significance (1 of 4 stars; one submission).

Conditions:
Amyotrophic lateral sclerosis type 1 (ALS1). Also called: AMYOTROPHIC LATERAL SCLEROSIS 1, FAMILIAL. Identifiers: Orphanet 803, MedGen C1862939, MONDO:0007103, OMIM 105400.
Neuronopathy, distal hereditary motor, type 7B. Also called: Distal Hereditary Motor Neuronopathy Type 7B (dHMN7B); HMN VIIB; NEURONOPATHY, DISTAL HEREDITARY MOTOR, AUTOSOMAL DOMINANT 14; NEURONOPATHY, DISTAL HEREDITARY MOTOR, HARDING TYPE VIIB; NEUROPATHY, DISTAL HEREDITARY MOTOR, HARDING TYPE VIIB; NEUROPATHY, DISTAL HEREDITARY MOTOR, WITH VOCAL CORD PARALYSIS, HARDING TYPE VIIB. Identifiers: Orphanet 139589, MedGen C1843315, MONDO:0011879, OMIM 607641.
Perry syndrome. Also called: PARKINSONISM WITH ALVEOLAR HYPOVENTILATION AND MENTAL DEPRESSION. Identifiers: Orphanet 178509, MedGen C1868594, MONDO:0008201, OMIM 168605.

Submission:

Labcorp Genetics (formerly Invitae), Labcorp
Classification: Uncertain significance for Amyotrophic lateral sclerosis type 1; Neuronopathy, distal hereditary motor, type 7B; Perry syndrome. Last evaluated: 2023-09-29. Review status: criteria provided, single submitter. Criteria: Invitae Variant Classification Sherloc (09022015). Collection method: clinical testing. Allele origin: germline.
Comment: In summary, the available evidence is currently insufficient to determine the role of this variant in disease. Therefore, it has been classified as a Variant of Uncertain Significance. This sequence change replaces arginine, which is basic and polar, with leucine, which is neutral and non-polar, at codon 932 of the DCTN1 protein (p.Arg932Leu). This variant is not present in population databases (gnomAD no frequency). This variant has not been reported in the literature in individuals affected with DCTN1-related conditions. Advanced modeling of protein sequence and biophysical properties (such as structural, functional, and spatial information, amino acid conservation, physicochemical variation, residue mobility, and thermodynamic stability) performed at Invitae indicates that this missense variant is expected to disrupt DCTN1 protein function. Algorithms developed to predict the effect of sequence changes on RNA splicing suggest that this variant may create or strengthen a splice site.